The following is an entry in ClinVar:

NM_017780.4(CHD7):c.6071G>C (p.Arg2024Pro)

Gene: CHD7 (chromodomain helicase DNA binding protein 7; plus strand). Cytogenetic location: 8q12.2.
Variant type: single nucleotide variant.
Coding change: c.6071G>C on transcript NM_017780.4 (MANE Select); coding-DNA position 6071, G replaced by C.
Protein change: p.Arg2024Pro; replaces arginine 2024 with proline.
Molecular consequence: missense variant. On other transcripts: intron variant (1).
Genome position (GRCh38, 1-based): chr8:60,852,674, G>C. VCF-style: chr8-60852674-G-C. GRCh37 (hg19) VCF-style: chr8-61765233-G-C.
Other names: c.1717-9555G>C (NM_001316690.1); short protein forms R2024P.
Identifiers: ClinVar variation 3651581 (VCV003651581.2).

ClinVar aggregate classification (germline): Uncertain significance (1 of 4 stars; one submission).

Conditions:
CHARGE syndrome (CHARGE). Also called: Hittner Hirsch Kreh syndrome; CHARGE ASSOCIATION--COLOBOMA, HEART ANOMALY, CHOANAL ATRESIA, RETARDATION, GENITAL AND EAR ANOMALIES; Coloboma, heart anomaly, choanal atresia, retardation, genital and ear anomalies; CHARGE association; Hall-Hittner syndrome. Identifiers: Orphanet 138, MedGen C0265354, MONDO:0008965.

Submission:

Labcorp Genetics (formerly Invitae), Labcorp
Classification: Uncertain significance for CHARGE syndrome. Last evaluated: 2024-04-29. Review status: criteria provided, single submitter. Criteria: Invitae Variant Classification Sherloc (09022015). Collection method: clinical testing. Allele origin: germline.
Comment: This sequence change replaces arginine, which is basic and polar, with proline, which is neutral and non-polar, at codon 2024 of the CHD7 protein (p.Arg2024Pro). This variant is not present in population databases (gnomAD no frequency). This variant has not been reported in the literature in individuals affected with CHD7-related conditions. Advanced modeling of protein sequence and biophysical properties (such as structural, functional, and spatial information, amino acid conservation, physicochemical variation, residue mobility, and thermodynamic stability) has been performed at Invitae for this missense variant, however the output from this modeling did not meet the statistical confidence thresholds required to predict the impact of this variant on CHD7 protein function. In summary, the available evidence is currently insufficient to determine the role of this variant in disease. Therefore, it has been classified as a Variant of Uncertain Significance.